The following is an entry in ClinVar:

NM_001367624.2(ZNF469):c.9385G>A (p.Glu3129Lys)

Gene: ZNF469 (zinc finger protein 469; plus strand). Cytogenetic location: 16q24.2.
Variant type: single nucleotide variant.
Coding change: c.9385G>A on transcript NM_001367624.2 (MANE Select); coding-DNA position 9385, G replaced by A.
Protein change: p.Glu3129Lys; replaces glutamic acid 3129 with lysine.
Molecular consequence: missense variant.
Genome position (GRCh38, 1-based): chr16:88,436,855, G>A. VCF-style: chr16-88436855-G-A. GRCh37 (hg19) VCF-style: chr16-88503263-G-A.
Other names: NM_001127464.1:c.9301G>A; short protein forms E3129K.
Identifiers: ClinVar variation 1766509 (VCV001766509.2), dbSNP rs1440676014, ClinGen allele CA397122078.

ClinVar aggregate classification (germline): Uncertain significance (1 of 4 stars; one submission).

Conditions:
Cardiovascular phenotype. Identifiers: MedGen CN230736.

Allele frequency attached by ClinVar (database versions not stated): TOPMed below 0.00001; gnomAD 0.00001.
gnomAD v4.1: 7 of 1,529,222 alleles (0.00046%); highest among the groups gnomAD compares: Admixed American, 0.002%; no homozygotes.

Submission:

Ambry Genetics
Classification: Uncertain significance for Cardiovascular phenotype. Last evaluated: 2022-07-25. Review status: criteria provided, single submitter. Criteria: Ambry Variant Classification Scheme 2023. Collection method: clinical testing. Allele origin: germline.
Comment: The p.E3101K variant (also known as c.9301G>A), located in coding exon 2 of the ZNF469 gene, results from a G to A substitution at nucleotide position 9301. The glutamic acid at codon 3101 is replaced by lysine, an amino acid with similar properties. This amino acid position is conserved. In addition, this alteration is predicted to be tolerated by in silico analysis. Since supporting evidence is limited at this time, the clinical significance of this alteration remains unclear.